The following is an entry in ClinVar:

ClinVar aggregate classification (germline): Pathogenic (1 of 4 stars; one submission).

Conditions:
Hereditary cancer-predisposing syndrome. Also called: Neoplastic Syndromes, Hereditary; Hereditary Cancer Syndrome; Tumor predisposition; Hereditary neoplastic syndrome. Identifiers: Orphanet 140162, MedGen C0027672, MeSH D009386, MONDO:0015356.

Submission:

Ambry Genetics
Classification: Pathogenic for Hereditary cancer-predisposing syndrome. Last evaluated: 2025-02-27. Review status: criteria provided, single submitter. Criteria: Ambry Variant Classification Scheme 2023. Collection method: clinical testing. Allele origin: germline.
Comment: The c.2227_2230delTCAG pathogenic mutation, located in coding exon 13 of the ATM gene, results from a deletion of 4 nucleotides at nucleotide positions 2227 to 2230, causing a translational frameshift with a predicted alternate stop codon (p.S743Nfs*9). This variant is considered to be rare based on population cohorts in the Genome Aggregation Database (gnomAD). This alteration is expected to result in loss of function by premature protein truncation or nonsense-mediated mRNA decay. As such, this alteration is interpreted as a disease-causing mutation.

NM_000051.4(ATM):c.2227_2230del (p.Ser743fs)

Gene: ATM (ATM serine/threonine kinase; plus strand). Cytogenetic location: 11q22.3.
Variant type: Deletion.
Coding change: c.2227_2230del on transcript NM_000051.4 (MANE Select); coding-DNA positions 2227 to 2230, 4 bases deleted (TCAG; older notation c.2227_2230delTCAG).
Protein change: p.Ser743fs; shifts the reading frame from serine 743.
Molecular consequence: frameshift variant.
Genome position (GRCh38, 1-based): chr11:108,256,317-108,256,320, TCAG deleted; deleting any 4 consecutive bases within chr11:108,256,315-108,256,320 gives the same sequence; the c. name uses the placement nearest the transcript's 3' end. VCF-style (leftmost placement, unchanged base first): chr11-108256314-AAGTC-A. GRCh37 (hg19) VCF-style: chr11-108127041-AAGTC-A.
Other names: c.2227_2230del, p.Ser743fs (NM_001351834.2); short protein forms S743fs.
Identifiers: ClinVar variation 3802622 (VCV003802622.1).